The following is an entry in ClinVar:

NM_000016.6(ACADM):c.724C>T (p.Gln242Ter)

Gene: ACADM (acyl-CoA dehydrogenase medium chain; plus strand). Cytogenetic location: 1p31.1.
Variant type: single nucleotide variant.
Coding change: c.724C>T on transcript NM_000016.6 (MANE Select); coding-DNA position 724, C replaced by T.
Protein change: p.Gln242Ter; replaces glutamine 242 with a stop codon.
Molecular consequence: nonsense.
Genome position (GRCh38, 1-based): chr1:75,749,434, C>T. VCF-style: chr1-75749434-C-T. GRCh37 (hg19) VCF-style: chr1-76215119-C-T.
Other names: c.736C>T, p.Gln246Ter (NM_001127328.3); c.616C>T, p.Gln206Ter (NM_001286042.2); c.823C>T, p.Gln275Ter (NM_001286043.2); c.157C>T, p.Gln53Ter (NM_001286044.2); short protein forms Q206*, Q242*, Q246*, Q275*, Q53*.
Identifiers: ClinVar variation 4815999 (VCV004815999.2).

ClinVar aggregate classification (germline): Likely pathogenic (1 of 4 stars; one submission).

Conditions:
Medium-chain acyl-coenzyme A dehydrogenase deficiency (ACADMD). Also called: ACADM DEFICIENCY; MCAD Deficiency; CARNITINE DEFICIENCY SECONDARY TO MEDIUM-CHAIN ACYL-CoA DEHYDROGENASE DEFICIENCY; MCADH DEFICIENCY; MCADD; Medium chain acyl-CoA dehydrogenase deficiency. Identifiers: Orphanet 42, MedGen C0220710, MONDO:0008721, OMIM 201450.

Submission:

Natera, Inc.
Classification: Likely pathogenic for Medium Chain Acyl-CoA Dehydrogenase Deficiency. Last evaluated: 2024-06-10. Review status: criteria provided, single submitter. Criteria: Natera Variant Classification Schema (03/2026). Collection method: clinical testing. Allele origin: germline.
Comment: The c.724C>T variant in ACADM is a nonsense variant predicted to introduce a stop codon at amino acid 242. This variant is expected to result in nonsense mediated decay, truncation, or a dysfunctional protein product. This variant is rare in the general population with a frequency below the threshold expected for the associated phenotype(s). Given the available evidence, this variant is classified as Likely Pathogenic.